The following is an entry in ClinVar:

NM_002150.3(HPD):c.217T>C (p.Ser73Pro)

Genes: HPD (4-hydroxyphenylpyruvate dioxygenase; minus strand), TIALD (transcript inducer of AURKA lysosomal degradation; plus strand), LOC126861662 (MED14-independent group 3 enhancer GRCh37_chr12:122293687-122294886; plus strand). Cytogenetic location: 12q24.31.
Variant type: single nucleotide variant.
Coding change: c.217T>C on transcript NM_002150.3 (MANE Select); coding-DNA position 217, T replaced by C.
Protein change: p.Ser73Pro; replaces serine 73 with proline.
Molecular consequence: missense variant.
Genome position (GRCh38, 1-based): chr12:121,856,607, A>G on the plus strand (T>C on the coding strand, the complement: HPD is on the minus strand). VCF-style: chr12-121856607-A-G. GRCh37 (hg19) VCF-style: chr12-122294513-A-G.
Other names: c.100T>C, p.Ser34Pro (NM_001171993.2); short protein forms S34P, S73P.
Identifiers: ClinVar variation 3233598 (VCV003233598.2), dbSNP rs2500324648, ClinGen allele CA387001544.

ClinVar aggregate classification (germline): Uncertain significance (1 of 4 stars; one submission).

Submission:

Women's Health and Genetics/Laboratory Corporation of America, LabCorp
Classification: Uncertain significance. Last evaluated: 2024-03-07. Review status: criteria provided, single submitter. Criteria: LabCorp Variant Classification Summary - May 2015. Collection method: clinical testing. Allele origin: germline.
Comment: Variant summary: HPD c.217T>C (p.Ser73Pro) results in a non-conservative amino acid change in the encoded protein sequence. Five of five in-silico tools predict a damaging effect of the variant on protein function. The variant was absent in 251322 control chromosomes (gnomAD). The available data on variant occurrences in the general population are insufficient to allow any conclusion about variant significance. c.217T>C has been reported in the literature in at least one individual with an abnormal Tyrosine level (example: Li_2022). This report does not provide unequivocal conclusions about association of the variant with Tyrosinemia Type 3. To our knowledge, no experimental evidence demonstrating an impact on protein function has been reported. No submitters have cited clinical-significance assessments for this variant to ClinVar. The following publication has been ascertained in the context of this evaluation (PMID: 35095998). Based on the evidence outlined above, the variant was classified as uncertain significance.

Literature cited by the submitters: PubMed 35095998.